The following is an entry in ClinVar:

ClinVar aggregate classification (germline): Uncertain significance. Review status: criteria provided, multiple submitters, no conflicts (2 of 4 stars). 2 submissions from 2 submitters: Uncertain significance (2). Last evaluated 2025-10-07.

Conditions:
Inborn genetic diseases. Identifiers: MedGen C0950123, MeSH D030342.

Allele frequency attached by ClinVar (database versions not stated): TOPMed 0.00001; gnomAD 0.00001.

Submissions (2):

Ambry Genetics
Classification: Uncertain significance for Inborn genetic diseases. Last evaluated: 2025-10-07. Review status: criteria provided, single submitter. Criteria: Ambry Variant Classification Scheme 2023. Collection method: clinical testing. Allele origin: germline.

GeneDx
Classification: Uncertain significance. Last evaluated: 2023-04-25. Review status: criteria provided, single submitter. Criteria: GeneDx Variant Classification Process June 2021. Collection method: clinical testing. Allele origin: germline. Affected: yes.
Comment: Not observed at significant frequency in large population cohorts (gnomAD); In silico analysis supports that this missense variant has a deleterious effect on protein structure/function; Has not been previously published as pathogenic or benign to our knowledge

NM_016148.5(SHANK1):c.2806C>A (p.Pro936Thr)

Gene: SHANK1 (SH3 and multiple ankyrin repeat domains 1; minus strand). Cytogenetic location: 19q13.33.
Variant type: single nucleotide variant.
Coding change: c.2806C>A on transcript NM_016148.5 (MANE Select); coding-DNA position 2806, C replaced by A.
Protein change: p.Pro936Thr; replaces proline 936 with threonine.
Molecular consequence: missense variant.
Genome position (GRCh38, 1-based): chr19:50,669,154, G>T on the plus strand (C>A on the coding strand, the complement: SHANK1 is on the minus strand). VCF-style: chr19-50669154-G-T. GRCh37 (hg19) VCF-style: chr19-51172411-G-T.
Other names: short protein forms P936T.
Identifiers: ClinVar variation 2663688 (VCV002663688.2), dbSNP rs1236355547, ClinGen allele CA407019030.
Genomic context (GRCh38, chr19:50,669,154, plus strand): 5'-GGTTGAAGGGCCCTCCCCGAGGGGAGGGGGTGAGGCGCCCTGAGGAGGAGGGGACTGGAG[G>T]TGTGCTGTAGGGAGGCTCCGGTGGGGACGTGGTGGGTGGCGGGGGAATGTCCTCCGAACC-3'
Protein context (NP_057232.2, residues 926-946): TSPPEPPYST[Pro936Thr]PVPSSSGRLT